The following is an entry in ClinVar:

ClinVar aggregate classification (germline): Pathogenic. Review status: criteria provided, multiple submitters, no conflicts (2 of 4 stars). 2 submissions from 2 submitters: Pathogenic (2). Last evaluated 2025-12-29.

Conditions:
Familial cancer of breast. Also called: BREAST CANCER, FAMILIAL; Hereditary breast cancer; hereditary breast carcinoma. Identifiers: Orphanet 227535, MedGen C0346153, MONDO:0016419, OMIM 114480. Disease mechanism: loss of function.

gnomAD v4.1: 1 of 1,614,154 alleles (0.000062%); no homozygotes.

Submissions (2):

Labcorp Genetics (formerly Invitae), Labcorp
Classification: Pathogenic for Familial cancer of breast. Last evaluated: 2025-12-29. Review status: criteria provided, single submitter. Criteria: Invitae Variant Classification Sherloc (09022015). Collection method: clinical testing. Allele origin: germline.
Comment: This sequence change creates a premature translational stop signal (p.Trp898*) in the PALB2 gene. It is expected to result in an absent or disrupted protein product. Loss-of-function variants in PALB2 are known to be pathogenic (PMID: 17200668, 17200671, 17200672, 24136930, 25099575). This variant is not present in population databases (gnomAD no frequency). This premature translational stop signal has been observed in individual(s) with breast cancer (PMID: 28825143). ClinVar contains an entry for this variant (Variation ID: 530097). Algorithms developed to predict the effect of sequence changes on RNA splicing suggest that this variant may disrupt the consensus splice site. For these reasons, this variant has been classified as Pathogenic.

Myriad Genetics, Inc.
Classification: Pathogenic for Familial cancer of breast. Last evaluated: 2023-09-13. Review status: criteria provided, single submitter. Criteria: Myriad Autosomal Dominant, Autosomal Recessive and X-Linked Classification Criteria (2023). Collection method: clinical testing. Allele origin: unknown.
Comment: This variant is considered pathogenic. This variant creates a termination codon and is predicted to result in premature protein truncation.

Literature cited by the submitters: PubMed 17200668 (cited by Labcorp Genetics (formerly Invitae), Labcorp); PubMed 17200671 (cited by Labcorp Genetics (formerly Invitae), Labcorp); PubMed 17200672 (cited by Labcorp Genetics (formerly Invitae), Labcorp); PubMed 24136930 (cited by Labcorp Genetics (formerly Invitae), Labcorp); PubMed 25099575 (cited by Labcorp Genetics (formerly Invitae), Labcorp); PubMed 28825143 (cited by Labcorp Genetics (formerly Invitae), Labcorp).

NM_024675.4(PALB2):c.2694G>A (p.Trp898Ter)

Gene: PALB2 (partner and localizer of BRCA2; minus strand). Cytogenetic location: 16p12.2.
Variant type: single nucleotide variant.
Coding change: c.2694G>A on transcript NM_024675.4 (MANE Select); coding-DNA position 2694, G replaced by A.
Protein change: p.Trp898Ter; replaces tryptophan 898 with a stop codon.
Molecular consequence: nonsense.
Genome position (GRCh38, 1-based): chr16:23,626,290, C>T on the plus strand (G>A on the coding strand, the complement: PALB2 is on the minus strand). VCF-style: chr16-23626290-C-T. GRCh37 (hg19) VCF-style: chr16-23637611-C-T.
Other names: short protein forms W898*.
Identifiers: ClinVar variation 530097 (VCV000530097.8), dbSNP rs1555459949, ClinGen allele CA395121972.
Genomic context (GRCh38, chr16:23,626,290, plus strand): 5'-ACTTACCTCTGCGAAGTGCCAGGTATAAAGTTTTTCCCACTGCCAAGCATCCAGAGCTTT[C>T]CAAAGAGAAACTACATCTTCGCAAGCAGTTATGATACATGGCTCTTTACAACCGGCTCTT-3'